The following is an entry in ClinVar:

NM_001042492.3(NF1):c.3454T>G (p.Leu1152Val)

Gene: NF1 (neurofibromin 1; plus strand). Cytogenetic location: 17q11.2.
Variant type: single nucleotide variant.
Coding change: c.3454T>G on transcript NM_001042492.3 (MANE Select); coding-DNA position 3454, T replaced by G.
Protein change: p.Leu1152Val; replaces leucine 1152 with valine.
Molecular consequence: missense variant.
Genome position (GRCh38, 1-based): chr17:31,232,839, T>G. VCF-style: chr17-31232839-T-G. GRCh37 (hg19) VCF-style: chr17-29559857-T-G.
Other names: c.3454T>G, p.Leu1152Val (NM_000267.4); short protein forms L1152V.
Identifiers: ClinVar variation 1427993 (VCV001427993.6), dbSNP rs771258163, ClinGen allele CA398989333.

ClinVar aggregate classification (germline): Uncertain significance (1 of 4 stars; one submission).

Conditions:
Neurofibromatosis, type 1 (NF1). Also called: VON RECKLINGHAUSEN DISEASE; NEUROFIBROMATOSIS, TYPE I, SOMATIC; Neurofibromatosis, type I; Peripheral type neurofibromatosis. Identifiers: Orphanet 636, MedGen C0027831, MONDO:0018975, OMIM 162200. Disease mechanism: loss of function.

Submission:

Labcorp Genetics (formerly Invitae), Labcorp
Classification: Uncertain significance for Neurofibromatosis, type 1. Last evaluated: 2024-04-30. Review status: criteria provided, single submitter. Criteria: Invitae Variant Classification Sherloc (09022015). Collection method: clinical testing. Allele origin: germline.
Comment: This sequence change replaces leucine, which is neutral and non-polar, with valine, which is neutral and non-polar, at codon 1152 of the NF1 protein (p.Leu1152Val). This variant is not present in population databases (gnomAD no frequency). This variant has not been reported in the literature in individuals affected with NF1-related conditions. ClinVar contains an entry for this variant (Variation ID: 1427993). Advanced modeling of protein sequence and biophysical properties (such as structural, functional, and spatial information, amino acid conservation, physicochemical variation, residue mobility, and thermodynamic stability) performed at Invitae indicates that this missense variant is expected to disrupt NF1 protein function with a positive predictive value of 95%. In summary, the available evidence is currently insufficient to determine the role of this variant in disease. Therefore, it has been classified as a Variant of Uncertain Significance.